The following is an entry in ClinVar:

ClinVar aggregate classification (germline): Benign/Likely benign. Review status: criteria provided, multiple submitters, no conflicts (2 of 4 stars). 10 submissions from 9 submitters: Benign (5); Likely benign (5). Last evaluated 2026-01-04.

Conditions:
Adams-Oliver syndrome 5 (AOS5). Identifiers: Orphanet 974, MedGen C4014970, MONDO:0014459, OMIM 616028.
Familial thoracic aortic aneurysm and aortic dissection (TAAD). Also called: Thoracic aortic aneurysms and dissections. Identifiers: Orphanet 91387, MedGen C4707243, MONDO:0019625.
Aortic valve disease 1 (AOVD1). Identifiers: MedGen C3887892, MONDO:0024523, OMIM 109730.

Allele frequency attached by ClinVar (database versions not stated): gnomAD exomes 0.00025; ExAC 0.00032; ESP Exome Variant Server 0.00040; gnomAD 0.00045; TOPMed 0.00063; 1000 Genomes Project 30x 0.00078; 1000 Genomes Project 0.00100.
gnomAD v4.1: 226 of 1,593,676 alleles (0.014%); highest among the groups gnomAD compares: African/African-American, 0.16%; 6 homozygotes.

Submissions (10):

Labcorp Genetics (formerly Invitae), Labcorp
Classification: Benign for Adams-Oliver syndrome 5. Last evaluated: 2026-01-04. Review status: criteria provided, single submitter. Criteria: Invitae Variant Classification Sherloc (09022015). Collection method: clinical testing. Allele origin: germline.

Mayo Clinic Laboratories, Mayo Clinic
Classification: Benign. Last evaluated: 2025-08-07. Review status: criteria provided, single submitter. Criteria: ACMG Guidelines, 2015. Collection method: clinical testing. Allele origin: germline. Observed: 2 variant alleles.
Comment: BS1, BS2, BP4, BP7

Women's Health and Genetics/Laboratory Corporation of America, LabCorp
Classification: Benign. Last evaluated: 2024-11-26. Review status: criteria provided, single submitter. Criteria: LabCorp Variant Classification Summary - May 2015. Collection method: clinical testing. Allele origin: germline.

Blueprint Genetics
Classification: Likely benign. Last evaluated: 2024-09-16. Review status: criteria provided, single submitter. Criteria: ACMG Guidelines, 2015. Collection method: clinical testing. Allele origin: germline.

CeGaT Center for Human Genetics Tuebingen
Classification: Likely benign. Last evaluated: 2023-07-01. Review status: criteria provided, single submitter. Criteria: CeGaT Center For Human Genetics Tuebingen Variant Classification Criteria Version 2. Collection method: clinical testing. Allele origin: germline. Affected: yes. Observed: 1 variant allele.
Comment: NOTCH1: BP4, BS1

Genome-Nilou Lab
Classification: Benign for Adams-Oliver syndrome 5. Last evaluated: 2022-03-15. Review status: criteria provided, single submitter. Criteria: ACMG Guidelines, 2015. Collection method: clinical testing. Allele origin: germline. Affected: no.

Genome-Nilou Lab
Classification: Benign for Aortic valve disease 1. Last evaluated: 2022-03-15. Review status: criteria provided, single submitter. Criteria: ACMG Guidelines, 2015. Collection method: clinical testing. Allele origin: germline. Affected: no.

GeneDx
Classification: Likely benign. Last evaluated: 2021-06-21. Review status: criteria provided, single submitter. Criteria: GeneDx Variant Classification Process June 2021. Collection method: clinical testing. Allele origin: germline. Affected: yes.

Ambry Genetics
Classification: Likely benign for Familial thoracic aortic aneurysm and aortic dissection. Last evaluated: 2015-08-21. Review status: criteria provided, single submitter. Criteria: Ambry Variant Classification Scheme 2023. Collection method: clinical testing. Allele origin: germline.

Breakthrough Genomics
Classification: Likely benign. Review status: criteria provided, single submitter. Criteria: ACMG Guidelines, 2015. Collection method: not provided. Allele origin: germline. Inheritance: Autosomal dominant inheritance. Affected: yes.

Literature cited by the submitters: PubMed 24943832 (cited by Women's Health and Genetics/Laboratory Corporation of America, LabCorp); PubMed 16614245 (cited by Women's Health and Genetics/Laboratory Corporation of America, LabCorp); PubMed 21670202 (cited by Women's Health and Genetics/Laboratory Corporation of America, LabCorp); PubMed 22210878 (cited by Women's Health and Genetics/Laboratory Corporation of America, LabCorp); PubMed 19635999 (cited by Women's Health and Genetics/Laboratory Corporation of America, LabCorp); PubMed 26837699 (cited by Women's Health and Genetics/Laboratory Corporation of America, LabCorp); PubMed 23086750 (cited by Women's Health and Genetics/Laboratory Corporation of America, LabCorp); PubMed 19245433 (cited by Women's Health and Genetics/Laboratory Corporation of America, LabCorp); PubMed 22077063 (cited by Women's Health and Genetics/Laboratory Corporation of America, LabCorp); PubMed 15472075 (cited by Women's Health and Genetics/Laboratory Corporation of America, LabCorp); PubMed 23734977 (cited by Women's Health and Genetics/Laboratory Corporation of America, LabCorp); PubMed 22858860 (cited by Women's Health and Genetics/Laboratory Corporation of America, LabCorp).

NM_017617.5(NOTCH1):c.7390C>T (p.Leu2464=)

Gene: NOTCH1 (notch receptor 1; minus strand). Cytogenetic location: 9q34.3.
Variant type: single nucleotide variant.
Coding change: c.7390C>T on transcript NM_017617.5 (MANE Select); coding-DNA position 7390, C replaced by T.
Protein change: p.Leu2464=; no amino-acid change (leucine 2464 retained).
Molecular consequence: synonymous variant.
Genome position (GRCh38, 1-based): chr9:136,496,349, G>A on the plus strand (C>T on the coding strand, the complement: NOTCH1 is on the minus strand). VCF-style: chr9-136496349-G-A. GRCh37 (hg19) VCF-style: chr9-139390801-G-A.
Other names: p.Leu2464=; c.7390C>T, p.Leu2464= (LRG_1122t1).
Identifiers: ClinVar variation 241168 (VCV000241168.45), dbSNP rs372760677, ClinGen allele CA5339680.